The following is an entry in ClinVar:

NM_001031689.3(PLAA):c.161G>A (p.Ser54Asn)

Gene: PLAA (phospholipase A2 activating protein; minus strand). Cytogenetic location: 9p21.2.
Variant type: single nucleotide variant.
Coding change: c.161G>A on transcript NM_001031689.3 (MANE Select); coding-DNA position 161, G replaced by A.
Protein change: p.Ser54Asn; replaces serine 54 with asparagine.
Molecular consequence: missense variant.
Genome position (GRCh38, 1-based): chr9:26,935,195, C>T on the plus strand (G>A on the coding strand, the complement: PLAA is on the minus strand). VCF-style: chr9-26935195-C-T. GRCh37 (hg19) VCF-style: chr9-26935193-C-T.
Other names: c.161G>A, p.Ser54Asn (NM_001321546.2); short protein forms S54N.
Identifiers: ClinVar variation 1949692 (VCV001949692.5), dbSNP rs1394839373, ClinGen allele CA373112192.
Genomic context (GRCh38, chr9:26,935,195, plus strand): 5'-ATGATGCATACACAAGATACAAAATTGGAATGGCCACTCATACAGTGCATTTCTGTAAAG[C>T]TCCTGTTTGGACTGGAAAGACAAGATAATTAATAGATACATATTCGTACCCTGACTTAGC-3'
Protein context (NP_001026859.1, residues 44-64): RLWAPDSPNR[Ser54Asn]FTEMHCMSGH

ClinVar aggregate classification (germline): Uncertain significance (1 of 4 stars; one submission).

gnomAD v4.1: 3 of 1,563,570 alleles (0.00019%); highest among the groups gnomAD compares: Non-Finnish European, 0.00026%; no homozygotes.

Submission:

Labcorp Genetics (formerly Invitae), Labcorp
Classification: Uncertain significance. Last evaluated: 2022-04-23. Review status: criteria provided, single submitter. Criteria: Invitae Variant Classification Sherloc (09022015). Collection method: clinical testing. Allele origin: germline.
Comment: In summary, the available evidence is currently insufficient to determine the role of this variant in disease. Therefore, it has been classified as a Variant of Uncertain Significance. Algorithms developed to predict the effect of missense changes on protein structure and function (SIFT, PolyPhen-2, Align-GVGD) all suggest that this variant is likely to be tolerated. This variant has not been reported in the literature in individuals affected with PLAA-related conditions. The frequency data for this variant in the population databases is considered unreliable, as metrics indicate poor data quality at this position in the gnomAD database. This sequence change replaces serine, which is neutral and polar, with asparagine, which is neutral and polar, at codon 54 of the PLAA protein (p.Ser54Asn).